The following is an entry in ClinVar:

ClinVar aggregate classification (germline): Likely benign (0 of 4 stars; one submission).

Conditions:
CREBBP-related disorder. Also called: CREBBP-related condition; CREBBP-related disorders.

Allele frequency attached by ClinVar (database versions not stated): gnomAD exomes below 0.00001; ExAC 0.00002; gnomAD 0.00004; TOPMed 0.00004; ESP Exome Variant Server 0.00015.
gnomAD v4.1: 9 of 1,611,860 alleles (0.00056%); highest among the groups gnomAD compares: African/African-American, 0.011%; no homozygotes.

Submission:

PreventionGenetics, part of Exact Sciences
Classification: Likely benign for CREBBP-related condition. Last evaluated: 2022-04-07. Review status: no assertion criteria provided. Collection method: clinical testing. Allele origin: germline.
Comment: This variant is classified as likely benign based on ACMG/AMP sequence variant interpretation guidelines (Richards et al. 2015 PMID: 25741868, with internal and published modifications).

NM_004380.3(CREBBP):c.39A>G (p.Lys13=)

Genes: CREBBP (CREB binding lysine acetyltransferase; minus strand), LOC130058357 (ATAC-STARR-seq lymphoblastoid silent region 7141; plus strand). Cytogenetic location: 16p13.3.
Variant type: single nucleotide variant.
Coding change: c.39A>G on transcript NM_004380.3 (MANE Select); coding-DNA position 39, A replaced by G.
Protein change: p.Lys13=; no amino-acid change (lysine 13 retained).
Molecular consequence: synonymous variant.
Genome position (GRCh38, 1-based): chr16:3,879,878, T>C on the plus strand (A>G on the coding strand, the complement: CREBBP is on the minus strand). VCF-style: chr16-3879878-T-C. GRCh37 (hg19) VCF-style: chr16-3929879-T-C.
Other names: c.39A>G, p.Lys13= (NM_001079846.1).
Identifiers: ClinVar variation 3035434 (VCV003035434.2), dbSNP rs147352379, ClinGen allele CA7870765.